The following is an entry in ClinVar:

NM_004006.3(DMD):c.4768A>G (p.Thr1590Ala)

Gene: DMD (dystrophin; minus strand). Cytogenetic location: Xp21.1.
Variant type: single nucleotide variant.
Coding change: c.4768A>G on transcript NM_004006.3 (MANE Select); coding-DNA position 4768, A replaced by G.
Protein change: p.Thr1590Ala; replaces threonine 1590 with alanine.
Molecular consequence: missense variant.
Genome position (GRCh38, 1-based): chrX:32,380,587, T>C on the plus strand (A>G on the coding strand, the complement: DMD is on the minus strand). VCF-style: chrX-32380587-T-C. GRCh37 (hg19) VCF-style: chrX-32398704-T-C.
Other names: c.4744A>G, p.Thr1582Ala (NM_000109.4); c.4756A>G, p.Thr1586Ala (NM_004009.3); c.4399A>G, p.Thr1467Ala (NM_004010.3); c.745A>G, p.Thr249Ala (NM_004011.4); c.736A>G, p.Thr246Ala (NM_004012.4); short protein forms T1467A, T1582A, T1586A, T1590A, T246A, T249A.
Identifiers: ClinVar variation 1199259 (VCV001199259.7), dbSNP rs1419816532, ClinGen allele CA412661263.

ClinVar aggregate classification (germline): Uncertain significance. Review status: criteria provided, multiple submitters, no conflicts (2 of 4 stars). 3 submissions from 2 submitters: Uncertain significance (3). Last evaluated 2024-03-06.

Conditions:
Dilated cardiomyopathy 3B (CMD3B). Also called: CMD3B: DMD-Related Dilated Cardiomyopathy; CARDIOMYOPATHY, DILATED, X-LINKED; DMD-Associated Dilated Cardiomyopathy. Identifiers: Orphanet 154, MedGen C3668940, MONDO:0010542, OMIM 302045.
Duchenne muscular dystrophy (DMD). Also called: MUSCULAR DYSTROPHY, PSEUDOHYPERTROPHIC PROGRESSIVE, DUCHENNE TYPE; Duchenne Muscular Dystrophy (DMD). Identifiers: Orphanet 98896, MedGen C0013264, MONDO:0010679, OMIM 310200.

Allele frequency attached by ClinVar (database versions not stated): gnomAD exomes below 0.00001; TOPMed below 0.00001; gnomAD 0.00002.
gnomAD v4.1: 6 of 1,208,410 alleles (0.0005%); highest among the groups gnomAD compares: East Asian, 0.012%; no homozygotes.

Submissions (3):

Labcorp Genetics (formerly Invitae), Labcorp
Classification: Uncertain significance for Duchenne muscular dystrophy. Last evaluated: 2024-03-06. Review status: criteria provided, single submitter. Criteria: Invitae Variant Classification Sherloc (09022015). Collection method: clinical testing. Allele origin: germline.
Comment: This sequence change replaces threonine, which is neutral and polar, with alanine, which is neutral and non-polar, at codon 1590 of the DMD protein (p.Thr1590Ala). This variant is present in population databases (no rsID available, gnomAD 0.2%). This variant has not been reported in the literature in individuals affected with DMD-related conditions. ClinVar contains an entry for this variant (Variation ID: 1199259). Advanced modeling of protein sequence and biophysical properties (such as structural, functional, and spatial information, amino acid conservation, physicochemical variation, residue mobility, and thermodynamic stability) performed at Invitae indicates that this missense variant is not expected to disrupt DMD protein function with a negative predictive value of 95%. In summary, the available evidence is currently insufficient to determine the role of this variant in disease. Therefore, it has been classified as a Variant of Uncertain Significance.

Genome-Nilou Lab
Classification: Uncertain significance for Duchenne muscular dystrophy. Last evaluated: 2021-07-14. Review status: criteria provided, single submitter. Criteria: ACMG Guidelines, 2015. Collection method: clinical testing. Allele origin: germline. Affected: no.

Genome-Nilou Lab
Classification: Uncertain significance for Dilated cardiomyopathy 3B. Last evaluated: 2021-07-14. Review status: criteria provided, single submitter. Criteria: ACMG Guidelines, 2015. Collection method: clinical testing. Allele origin: germline. Affected: no.